The following is an entry in ClinVar:

ClinVar aggregate classification (germline): Uncertain significance (1 of 4 stars; one submission).

Conditions:
Familial cancer of breast. Also called: Hereditary breast cancer; BREAST CANCER, FAMILIAL; hereditary breast carcinoma. Identifiers: Orphanet 227535, MedGen C0346153, MONDO:0016419, OMIM 114480. Disease mechanism: loss of function.

Submission:

Labcorp Genetics (formerly Invitae), Labcorp
Classification: Uncertain significance for Familial cancer of breast. Last evaluated: 2024-12-13. Review status: criteria provided, single submitter. Criteria: Invitae Variant Classification Sherloc (09022015). Collection method: clinical testing. Allele origin: germline.
Comment: This sequence change replaces tyrosine, which is neutral and polar, with histidine, which is basic and polar, at codon 298 of the CHEK2 protein (p.Tyr298His). This variant is not present in population databases (gnomAD no frequency). This variant has not been reported in the literature in individuals affected with CHEK2-related conditions. An algorithm developed to predict the effect of missense changes on protein structure and function (PolyPhen-2) suggests that this variant is likely to be disruptive. In summary, the available evidence is currently insufficient to determine the role of this variant in disease. Therefore, it has been classified as a Variant of Uncertain Significance.

NM_007194.4(CHEK2):c.892T>C (p.Tyr298His)

Gene: CHEK2 (checkpoint kinase 2; minus strand). Cytogenetic location: 22q12.1.
Variant type: single nucleotide variant.
Coding change: c.892T>C on transcript NM_007194.4 (MANE Select); coding-DNA position 892, T replaced by C.
Protein change: p.Tyr298His; replaces tyrosine 298 with histidine.
Molecular consequence: missense variant.
Genome position (GRCh38, 1-based): chr22:28,703,521, A>G on the plus strand (T>C on the coding strand, the complement: CHEK2 is on the minus strand). VCF-style: chr22-28703521-A-G. GRCh37 (hg19) VCF-style: chr22-29099509-A-G.
Other names: c.1021T>C, p.Tyr341His (NM_001005735.3); c.229T>C, p.Tyr77His (NM_001257387.3); c.691T>C, p.Tyr231His (NM_001349956.3); c.892T>C, p.Tyr298His (NM_145862.3); short protein forms Y298H, Y341H, Y77H, Y231H.
Identifiers: ClinVar variation 3727140 (VCV003727140.2).